The following is an entry in ClinVar:

NM_000535.7(PMS2):c.998A>G (p.Asp333Gly)

Gene: PMS2 (PMS1 homolog 2, mismatch repair system component; minus strand). Cytogenetic location: 7p22.1.
Variant type: single nucleotide variant.
Coding change: c.998A>G on transcript NM_000535.7 (MANE Select); coding-DNA position 998, A replaced by G.
Protein change: p.Asp333Gly; replaces aspartic acid 333 with glycine.
Molecular consequence: missense variant. On other transcripts: non-coding transcript variant (1), intron variant (10).
Genome position (GRCh38, 1-based): chr7:5,989,946, T>C on the plus strand (A>G on the coding strand, the complement: PMS2 is on the minus strand). VCF-style: chr7-5989946-T-C. GRCh37 (hg19) VCF-style: chr7-6029577-T-C.
Other names: c.680A>G, p.Asp227Gly (NM_001406883.1, NM_001322007.2, NM_001322008.2 and 2 more transcripts); c.662A>G, p.Asp221Gly (NM_001406885.1); c.632A>G, p.Asp211Gly (NM_001406886.1); c.593A>G, p.Asp198Gly (NM_001406887.1, NM_001406888.1, NM_001406889.1 and 16 more transcripts); c.65A>G, p.Asp22Gly (NM_001322011.2, NM_001322012.2); c.425A>G, p.Asp142Gly (NM_001322013.2, NM_001406909.1); c.998A>G, p.Asp333Gly (NM_001322014.2, NM_001406871.1, NM_001406872.1); c.689A>G, p.Asp230Gly (NM_001322015.2, NM_001406875.1, NM_001406877.1 and 5 more transcripts); and 13 more; short protein forms D22G, D277G, D297G, D142G, D198G, D230G, D395G, D227G.
Identifiers: ClinVar variation 3935103 (VCV003935103.1).

ClinVar aggregate classification (germline): Uncertain significance (1 of 4 stars; one submission).

Conditions:
Hereditary cancer-predisposing syndrome. Also called: Tumor predisposition; Hereditary neoplastic syndrome; Hereditary Cancer Syndrome; Neoplastic Syndromes, Hereditary. Identifiers: Orphanet 140162, MedGen C0027672, MeSH D009386, MONDO:0015356.

Submission:

Ambry Genetics
Classification: Uncertain significance for Hereditary cancer-predisposing syndrome. Last evaluated: 2025-03-28. Review status: criteria provided, single submitter. Criteria: Ambry Variant Classification Scheme 2023. Collection method: clinical testing. Allele origin: germline.
Comment: The p.D333G variant (also known as c.998A>G), located in coding exon 10 of the PMS2 gene, results from an A to G substitution at nucleotide position 998. The aspartic acid at codon 333 is replaced by glycine, an amino acid with similar properties. This amino acid position is highly conserved in available vertebrate species. In addition, this alteration is predicted to be deleterious by in silico analysis. Based on the available evidence, the clinical significance of this variant remains unclear.